The following is an entry in ClinVar:

NM_001037333.3(CYFIP2):c.2690A>G (p.Tyr897Cys)

Gene: CYFIP2 (cytoplasmic FMR1 interacting protein 2; plus strand). Cytogenetic location: 5q33.3.
Variant type: single nucleotide variant.
Coding change: c.2690A>G on transcript NM_001037333.3 (MANE Select); coding-DNA position 2690, A replaced by G.
Protein change: p.Tyr897Cys; replaces tyrosine 897 with cysteine.
Molecular consequence: missense variant.
Genome position (GRCh38, 1-based): chr5:157,359,021, A>G. VCF-style: chr5-157359021-A-G. GRCh37 (hg19) VCF-style: chr5-156786029-A-G.
Other names: c.2612A>G, p.Tyr871Cys (NM_001291721.2); c.2765A>G, p.Tyr922Cys (NM_001291722.2); c.2690A>G, p.Tyr897Cys (NM_014376.4); short protein forms Y871C, Y897C, Y922C.
Identifiers: ClinVar variation 1342893 (VCV001342893.1), dbSNP rs1480245320, ClinGen allele CA361976627.

ClinVar aggregate classification (germline): Uncertain significance (1 of 4 stars; one submission).

Conditions:
Developmental and epileptic encephalopathy, 65. Also called: EPILEPTIC ENCEPHALOPATHY, EARLY INFANTILE, 65. Identifiers: MedGen C4693925, MONDO:0033374, OMIM 618008.

Allele frequency attached by ClinVar (database versions not stated): gnomAD exomes below 0.00001.
gnomAD v4.1: 4 of 1,613,994 alleles (0.00025%); highest among the groups gnomAD compares: Middle Eastern, 0.049%; 1 homozygote.

Submission:

Institute of Human Genetics, University of Leipzig Medical Center
Classification: Uncertain significance for Developmental and epileptic encephalopathy, 65. Last evaluated: 2022-02-09. Review status: criteria provided, single submitter. Criteria: ACMG Guidelines, 2015. Collection method: clinical testing. Allele origin: inherited. Affected: yes.
Comment: Although this gene is associated with an autosomal dominant phenotype, a possible recessive form seems likely._x000D_ Criteria applied: PM2_SUP, PP2, PP3